The following is an entry in ClinVar:

NM_003105.6(SORL1):c.5327A>G (p.Asn1776Ser)

Gene: SORL1 (sortilin related receptor 1; plus strand). Cytogenetic location: 11q24.1.
Variant type: single nucleotide variant.
Coding change: c.5327A>G on transcript NM_003105.6 (MANE Select); coding-DNA position 5327, A replaced by G.
Protein change: p.Asn1776Ser; replaces asparagine 1776 with serine.
Molecular consequence: missense variant.
Genome position (GRCh38, 1-based): chr11:121,612,740, A>G. VCF-style: chr11-121612740-A-G. GRCh37 (hg19) VCF-style: chr11-121483449-A-G.
Other names: short protein forms N1776S.
Identifiers: ClinVar variation 2008324 (VCV002008324.4), dbSNP rs2496995813, ClinGen allele CA383041345.
Genomic context (GRCh38, chr11:121,612,740, plus strand): 5'-ATTTAGTGTGCCCCATGACTAGCTGTTCATCTAACATGCTTCTTGGTTCTCGGCAGGTGA[A>G]TGGCTATGTGGTGAACCTTTTCTGGGCATTTGACACCCACAAGCAAGAGAGGAGAACTTT-3'
Protein context (NP_003096.2, residues 1766-1786): TLTMESDIKV[Asn1776Ser]GYVVNLFWAF

ClinVar aggregate classification (germline): Uncertain significance (1 of 4 stars; one submission).

Submission:

Labcorp Genetics (formerly Invitae), Labcorp
Classification: Uncertain significance. Last evaluated: 2022-06-27. Review status: criteria provided, single submitter. Criteria: Invitae Variant Classification Sherloc (09022015). Collection method: clinical testing. Allele origin: germline.
Comment: In summary, the available evidence is currently insufficient to determine the role of this variant in disease. Therefore, it has been classified as a Variant of Uncertain Significance. Algorithms developed to predict the effect of missense changes on protein structure and function output the following: SIFT: "Tolerated"; PolyPhen-2: "Benign"; Align-GVGD: "Class C0". The serine amino acid residue is found in multiple mammalian species, which suggests that this missense change does not adversely affect protein function. This variant has not been reported in the literature in individuals affected with SORL1-related conditions. This variant is not present in population databases (gnomAD no frequency). This sequence change replaces asparagine, which is neutral and polar, with serine, which is neutral and polar, at codon 1776 of the SORL1 protein (p.Asn1776Ser).